The following is an entry in ClinVar:

NM_015192.4(PLCB1):c.2293C>G (p.Gln765Glu)

Gene: PLCB1 (phospholipase C beta 1; plus strand). Cytogenetic location: 20p12.3.
Variant type: single nucleotide variant.
Coding change: c.2293C>G on transcript NM_015192.4 (MANE Select); coding-DNA position 2293, C replaced by G.
Protein change: p.Gln765Glu; replaces glutamine 765 with glutamic acid.
Molecular consequence: missense variant.
Genome position (GRCh38, 1-based): chr20:8,739,345, C>G. VCF-style: chr20-8739345-C-G. GRCh37 (hg19) VCF-style: chr20-8719992-C-G.
Other names: c.2293C>G, p.Gln765Glu (NM_182734.3); short protein forms Q765E.
Identifiers: ClinVar variation 1414051 (VCV001414051.6), dbSNP rs1980748318, ClinGen allele CA408207794.

ClinVar aggregate classification (germline): Uncertain significance (1 of 4 stars; one submission).

Conditions:
Developmental and epileptic encephalopathy, 12 (DEE12). Identifiers: MedGen C3150988, MONDO:0013389, OMIM 613722.

Allele frequency attached by ClinVar (database versions not stated): gnomAD exomes below 0.00001; TOPMed below 0.00001.
gnomAD v4.1: 6 of 1,611,702 alleles (0.00037%); highest among the groups gnomAD compares: Non-Finnish European, 0.00051%; no homozygotes.

Submission:

Labcorp Genetics (formerly Invitae), Labcorp
Classification: Uncertain significance for Developmental and epileptic encephalopathy, 12. Last evaluated: 2021-08-29. Review status: criteria provided, single submitter. Criteria: Invitae Variant Classification Sherloc (09022015). Collection method: clinical testing. Allele origin: germline.
Comment: This sequence change replaces glutamine with glutamic acid at codon 765 of the PLCB1 protein (p.Gln765Glu). The glutamine residue is moderately conserved and there is a small physicochemical difference between glutamine and glutamic acid. This variant is not present in population databases (ExAC no frequency). This variant has not been reported in the literature in individuals affected with PLCB1-related conditions. Algorithms developed to predict the effect of missense changes on protein structure and function (SIFT, PolyPhen-2, Align-GVGD) all suggest that this variant is likely to be tolerated. In summary, the available evidence is currently insufficient to determine the role of this variant in disease. Therefore, it has been classified as a Variant of Uncertain Significance.